The following is an entry in ClinVar:

NM_000478.6(ALPL):c.799dup (p.His267fs)

Gene: ALPL (alkaline phosphatase, biomineralization associated; plus strand). Cytogenetic location: 1p36.12.
Variant type: Duplication.
Coding change: c.799dup on transcript NM_000478.6 (MANE Select); coding-DNA position 799, one base duplicated (C; older notation c.799dupC).
Protein change: p.His267fs; shifts the reading frame from histidine 267.
Molecular consequence: frameshift variant.
Genome position (GRCh38, 1-based): chr1:21,570,311, C duplicated; the last of 3 consecutive C bases (chr1:21,570,309-21,570,311); duplicating any one gives the same sequence. VCF-style (leftmost placement, unchanged base first): chr1-21570308-T-TC. GRCh37 (hg19) VCF-style: chr1-21896801-T-TC.
Other names: c.634dup, p.His212fs (NM_001127501.4); c.568dup, p.His190fs (NM_001177520.3); c.799dup, p.His267fs (NM_001369803.2, NM_001369804.2, NM_001369805.2); short protein forms H190fs, H267fs, H212fs.
Identifiers: ClinVar variation 5005848 (VCV005005848.2).

ClinVar aggregate classification (germline): Likely pathogenic (1 of 4 stars; one submission).

Conditions:
Childhood hypophosphatasia. Identifiers: Orphanet 247667, Orphanet 436, MedGen C0220743, MONDO:1010168, OMIM 241510, MONDO:0009428.
Infantile hypophosphatasia. Identifiers: Orphanet 247651, Orphanet 436, MedGen C0268412, MONDO:1010169, OMIM 241500, MONDO:0009427.
Adult hypophosphatasia. Identifiers: Orphanet 247676, Orphanet 436, MedGen C0268413, MONDO:1010154, OMIM 146300, MONDO:0007798.

Submission:

Juno Genomics, Hangzhou Juno Genomics, Inc
Classification: Likely pathogenic for Adult hypophosphatasia; Childhood hypophosphatasia; Infantile hypophosphatasia. Review status: criteria provided, single submitter. Criteria: ACMG Guidelines, 2015. Collection method: clinical testing. Allele origin: germline.
Comment: Null variant in a gene where loss of function (LOF) is a known mechanism of disease.;Absent from controls (or at extremely low frequency if recessive) in Genome Aggregation Database.